The following is an entry in ClinVar:

NM_032531.4(KIRREL3):c.2118T>G (p.Leu706=)

Gene: KIRREL3 (kirre like nephrin family adhesion molecule 3; minus strand). Cytogenetic location: 11q24.2.
Variant type: single nucleotide variant.
Coding change: c.2118T>G on transcript NM_032531.4 (MANE Select); coding-DNA position 2118, T replaced by G.
Protein change: p.Leu706=; no amino-acid change (leucine 706 retained).
Molecular consequence: synonymous variant.
Genome position (GRCh38, 1-based): chr11:126,424,799, A>C on the plus strand (T>G on the coding strand, the complement: KIRREL3 is on the minus strand). VCF-style: chr11-126424799-A-C. GRCh37 (hg19) VCF-style: chr11-126294694-A-C.
Other names: c.2082T>G, p.Leu694= (NM_001301097.2).
Identifiers: ClinVar variation 725838 (VCV000725838.7), dbSNP rs35006764, ClinGen allele CA6355632.

ClinVar aggregate classification (germline): Benign. Review status: criteria provided, multiple submitters, no conflicts (2 of 4 stars). 3 submissions from 3 submitters: Benign (2). 1 of the submissions does not count toward it. Last evaluated 2019-12-31.

Conditions:
KIRREL3-related disorder. Also called: KIRREL3-related condition.

Allele frequency attached by ClinVar (database versions not stated): gnomAD exomes 0.00042 and 0.00123; 1000 Genomes Project 30x 0.00593; ExAC 0.00157; 1000 Genomes Project 0.00539; gnomAD 0.00449 and 0.00485; ESP Exome Variant Server 0.00466; TOPMed 0.00526.
gnomAD v4.1: 1,334 of 1,614,004 alleles (0.083%); highest among the groups gnomAD compares: African/African-American, 1.6%; 13 homozygotes.

Submissions (3):

Labcorp Genetics (formerly Invitae), Labcorp
Classification: Benign. Last evaluated: 2019-12-31. Review status: criteria provided, single submitter. Criteria: Invitae Variant Classification Sherloc (09022015). Collection method: clinical testing. Allele origin: germline.

Breakthrough Genomics
Classification: Benign. Review status: criteria provided, single submitter. Criteria: ACMG Guidelines, 2015. Collection method: not provided. Allele origin: germline. Inheritance: Unknown mechanism. Affected: yes.

PreventionGenetics, part of Exact Sciences
Classification: Likely benign for KIRREL3-related condition. Last evaluated: 2020-02-07. Review status: no assertion criteria provided. Collection method: clinical testing. Allele origin: germline. Not counted in ClinVar's aggregate classification.
Comment: This variant is classified as likely benign based on ACMG/AMP sequence variant interpretation guidelines (Richards et al. 2015 PMID: 25741868, with internal and published modifications).